The following is an entry in ClinVar:

NM_000352.6(ABCC8):c.1577G>A (p.Arg526His)

Gene: ABCC8 (ATP binding cassette subfamily C member 8; minus strand). Cytogenetic location: 11p15.1.
Variant type: single nucleotide variant.
Coding change: c.1577G>A on transcript NM_000352.6 (MANE Select); coding-DNA position 1577, G replaced by A.
Protein change: p.Arg526His; replaces arginine 526 with histidine.
Molecular consequence: missense variant. On other transcripts: non-coding transcript variant (1).
Genome position (GRCh38, 1-based): chr11:17,442,773, C>T on the plus strand (G>A on the coding strand, the complement: ABCC8 is on the minus strand). VCF-style: chr11-17442773-C-T. GRCh37 (hg19) VCF-style: chr11-17464320-C-T.
Other names: NM_000352.6(ABCC8):c.1577G>A; p.Arg526His; c.1577G>A, p.Arg526His (NM_001287174.3, NM_001351295.2); c.1574G>A, p.Arg525His (NM_001351296.2, NM_001351297.2); c.1577G>A (NM_000352.3); short protein forms R526H, R525H.
Identifiers: ClinVar variation 2987409 (VCV002987409.7), dbSNP rs144481621, ClinGen allele CA5903522.

ClinVar aggregate classification (germline): Conflicting classifications of pathogenicity. Review status: criteria provided, conflicting classifications (1 of 4 stars). 4 submissions from 4 submitters: Likely pathogenic (1); Uncertain significance (3). Last evaluated 2026-08-20.

Conditions:
Hyperinsulinemic hypoglycemia, familial, 1 (HHF1). Also called: NESIDIOBLASTOSIS OF PANCREAS; Persistent hyperinsulinemic hypoglycemia of infancy; HYPERINSULINISM, FAMILIAL, WITH PANCREATIC NESIDIOBLASTOSIS; HYPOGLYCEMIA, HYPERINSULINEMIC, OF INFANCY; Persistent Hyperinsulinemia Hypoglycemia of Infancy. Identifiers: Orphanet 276575, Orphanet 276598, MedGen C2931832, MONDO:0009734, OMIM 256450.
Diabetes mellitus, transient neonatal, 2 (TNDM2). Identifiers: Orphanet 99886, MedGen C1835887, MONDO:0012480, OMIM 610374. Disease mechanism: loss of function.
Leucine-induced hypoglycemia (LIH). Also called: LEUCINE-SENSITIVE HYPOGLYCEMIA OF INFANCY. Identifiers: MedGen C0271714, MONDO:0009415, OMIM 240800.
Diabetes mellitus, permanent neonatal 3. Also called: ABCC8-Related Permanent Neonatal Diabetes Mellitus. Identifiers: MedGen C5394303, MONDO:0030088, OMIM 618857.
Type 2 diabetes mellitus. Also called: Type II diabetes mellitus. Identifiers: MedGen C0011860, MeSH D003924, MONDO:0005148, OMIM 125853, HP:0005978.

Allele frequency attached by ClinVar (database versions not stated): ESP Exome Variant Server 0.00008.
gnomAD v4.1: 19 of 1,613,854 alleles (0.0012%); highest among the groups gnomAD compares: East Asian, 0.0022%; no homozygotes.

Submissions (4):

GeneDx
Classification: Uncertain significance. Last evaluated: 2026-08-20. Review status: criteria provided, single submitter. Criteria: GeneDx Variant Classification Process June 2021. Collection method: clinical testing. Allele origin: germline.
Comment: In silico analysis supports that this missense variant has a deleterious effect on protein structure/function; Has not been previously published as pathogenic or benign to our knowledge

Broad Center for Mendelian Genomics, Broad Institute of MIT and Harvard
Classification: Uncertain significance for Hyperinsulinemic hypoglycemia, familial, 1. Last evaluated: 2025-04-28. Review status: criteria provided, single submitter. Criteria: ACMG Guidelines, 2015. Collection method: curation. Allele origin: germline. Inheritance: Autosomal recessive inheritance.
Comment: The p.Arg526His variant in ABCC8 has not been previously reported in the literature in individuals with hyperinsulinemic hypoglycemia, but has been seen in 0.002% (1/44880) of East Asian chromosomes by the Genome Aggregation Database (gnomAD; dbSNP: rs144481621). Although this variant has been seen in the general population in a heterozygous state, its frequency is low enough to be consistent with a recessive carrier frequency. This variant has also been reported in ClinVar (VCV002987409.3) and has been interpreted as likely pathogenic by Labcorp Genetics and as uncertain significance by Fulgent Genetics. Computational prediction tools and conservation analyses suggest that this variant may impact the protein, though this information is not predictive enough to determine pathogenicity. One additional likely pathogenic variant, resulting in a different amino acid change at the same position, p.Arg526Cys, has been reported in association with disease in ClinVar, slightly supporting that a change at this position may not be tolerated (VCV000553752.14). In summary, the clinical significance of the p.Arg526His variant is uncertain. ACMG/AMP Criteria applied: PP3_moderate, PM2_supporting, PM5_supporting (Richards 2015).

Fulgent Genetics
Classification: Uncertain significance for Type 2 diabetes mellitus; Leucine-induced hypoglycemia; Hyperinsulinemic hypoglycemia, familial, 1; Diabetes mellitus, transient neonatal, 2; Diabetes mellitus, permanent neonatal 3. Last evaluated: 2024-06-20. Review status: criteria provided, single submitter. Criteria: ACMG Guidelines, 2015. Collection method: clinical testing. Allele origin: germline.

Labcorp Genetics (formerly Invitae), Labcorp
Classification: Likely pathogenic. Last evaluated: 2024-01-19. Review status: criteria provided, single submitter. Criteria: Invitae Variant Classification Sherloc (09022015). Collection method: clinical testing. Allele origin: germline.
Comment: This sequence change replaces arginine, which is basic and polar, with histidine, which is basic and polar, at codon 526 of the ABCC8 protein (p.Arg526His). This variant is present in population databases (rs144481621, gnomAD 0.01%). This variant has not been reported in the literature in individuals affected with ABCC8-related conditions. Advanced modeling of protein sequence and biophysical properties (such as structural, functional, and spatial information, amino acid conservation, physicochemical variation, residue mobility, and thermodynamic stability) performed at Invitae indicates that this missense variant is expected to disrupt ABCC8 protein function with a positive predictive value of 95%. This variant disrupts the p.Arg526 amino acid residue in ABCC8. Other variant(s) that disrupt this residue have been determined to be pathogenic (PMID: 23275527, 23652837, 25584046, 27908292). This suggests that this residue is clinically significant, and that variants that disrupt this residue are likely to be disease-causing. In summary, the currently available evidence indicates that the variant is pathogenic, but additional data are needed to prove that conclusively. Therefore, this variant has been classified as Likely Pathogenic.

Literature cited by the submitters: PubMed 23275527 (cited by Labcorp Genetics (formerly Invitae), Labcorp); PubMed 23652837 (cited by Labcorp Genetics (formerly Invitae), Labcorp); PubMed 25584046 (cited by Labcorp Genetics (formerly Invitae), Labcorp); PubMed 27908292 (cited by Labcorp Genetics (formerly Invitae), Labcorp).